The following is an entry in ClinVar:

NM_000057.4(BLM):c.1681_1682delinsGA (p.Phe561Asp)

Gene: BLM (BLM RecQ like helicase; plus strand). Cytogenetic location: 15q26.1.
Variant type: Indel.
Coding change: c.1681_1682delinsGA on transcript NM_000057.4 (MANE Select); coding-DNA positions 1681 to 1682, TT replaced by GA.
Protein change: p.Phe561Asp; replaces phenylalanine 561 with aspartic acid.
Molecular consequence: missense variant.
Genome position (GRCh38, 1-based): chr15:90,761,054-90,761,055, TT replaced by GA. VCF-style: chr15-90761054-TT-GA. GRCh37 (hg19) VCF-style: chr15-91304284-TT-GA.
Other names: c.1681_1682delinsGA, p.Phe561Asp (NM_001287246.2, NM_001287247.2); c.556_557delinsGA, p.Phe186Asp (NM_001287248.2); c.1681_1682delTTinsGA (NM_000057.2); short protein forms F561D, F186D.
Identifiers: ClinVar variation 1046396 (VCV001046396.9), dbSNP rs1895970884, ClinGen allele CA2195277178.

ClinVar aggregate classification (germline): Uncertain significance. Review status: criteria provided, multiple submitters, no conflicts (2 of 4 stars). 2 submissions from 2 submitters: Uncertain significance (2). Last evaluated 2025-05-30.

Conditions:
Hereditary cancer-predisposing syndrome. Also called: Hereditary Cancer Syndrome; Tumor predisposition; Hereditary neoplastic syndrome; Neoplastic Syndromes, Hereditary. Identifiers: Orphanet 140162, MedGen C0027672, MeSH D009386, MONDO:0015356.
Bloom syndrome (BLM). Also called: Bloom-Torre-Machacek syndrome. Identifiers: Orphanet 125, MedGen C0005859, MONDO:0008876, OMIM 210900.

Submissions (2):

Labcorp Genetics (formerly Invitae), Labcorp
Classification: Uncertain significance for Bloom syndrome. Last evaluated: 2025-05-30. Review status: criteria provided, single submitter. Criteria: Invitae Variant Classification Sherloc (09022015). Collection method: clinical testing. Allele origin: germline.
Comment: This sequence change replaces phenylalanine, which is neutral and non-polar, with aspartic acid, which is acidic and polar, at codon 561 of the BLM protein (p.Phe561Asp). Information on the frequency of this variant in the gnomAD database is not available, as this variant may be reported differently in the database. This variant has not been reported in the literature in individuals affected with BLM-related conditions. ClinVar contains an entry for this variant (Variation ID: 1046396). An algorithm developed to predict the effect of missense changes on protein structure and function (PolyPhen-2) suggests that this variant is likely to be disruptive. In summary, the available evidence is currently insufficient to determine the role of this variant in disease. Therefore, it has been classified as a Variant of Uncertain Significance.

Ambry Genetics
Classification: Uncertain significance for Hereditary cancer-predisposing syndrome. Last evaluated: 2024-03-12. Review status: criteria provided, single submitter. Criteria: Ambry Variant Classification Scheme 2023. Collection method: clinical testing. Allele origin: germline.
Comment: The c.1681_1682delTTinsGA variant (also known as p.F561D), located in coding exon 6 of the BLM gene, results from an in-frame deletion of TT and insertion of GA at nucleotide positions 1681 to 1682. This results in the substitution of the phenylalanine residue for an aspartic acid residue at codon 561, an amino acid with highly dissimilar properties. This amino acid position is well conserved in available vertebrate species. In addition, the in silico prediction for this alteration is inconclusive (Choi Y et al. PLoS ONE. 2012; 7(10):e46688). Based on the available evidence, the clinical significance of this alteration remains unclear.